The following is an entry in ClinVar:

ClinVar aggregate classification (germline): Conflicting classifications of pathogenicity. Review status: criteria provided, conflicting classifications (1 of 4 stars). 2 submissions from 2 submitters: Likely pathogenic (1); Uncertain significance (1). Last evaluated 2025-01-21.

Conditions:
Deficiency of acetyl-CoA acetyltransferase. Also called: 3-KETOTHIOLASE DEFICIENCY; 3-OXOTHIOLASE DEFICIENCY; Beta-ketothiolase deficiency; MITOCHONDRIAL ACETOACETYL-CoA THIOLASE DEFICIENCY. Identifiers: Orphanet 134, MedGen C1536500, MONDO:0008760, OMIM 203750. Disease mechanism: loss of function.

Submissions (2):

Natera, Inc.
Classification: Likely pathogenic for Alpha-methylacetoacetic aciduria. Last evaluated: 2025-01-21. Review status: criteria provided, single submitter. Criteria: Natera Variant Classification Schema (03/2026). Collection method: clinical testing. Allele origin: germline.
Comment: The c.829A>C variant in ACAT1 is a missense variant predicted to cause substitution of threonine to proline at amino acid 277. This variant is rare in the general population with a frequency below the threshold expected for the associated phenotype(s). This variant has been observed in one or more individuals affected with the associated recessive disease, as either homozygous or compound heterozygous with a second variant (PMID: 34001203). This variant has been identified in one or more affected individuals with a phenotype highly consistent with the associated gene (PMID: 34001203). Computational prediction algorithms indicate this variant is likely to affect gene or protein function. Given the available evidence, this variant is classified as Likely Pathogenic.

Department of Pediatrics, Gifu University
Classification: Uncertain significance for Deficiency of acetyl-CoA acetyltransferase. Last evaluated: 2019-05-05. Review status: criteria provided, single submitter. Criteria: ACMG Guidelines, 2015. Collection method: literature only. Allele origin: germline. Affected: yes. Observed: 1 variant allele.

Literature cited by the submitters: PubMed 34001203 (cited by Natera, Inc.); PubMed 31268215 (cited by Department of Pediatrics, Gifu University).

NM_000019.4(ACAT1):c.829A>C (p.Thr277Pro)

Gene: ACAT1 (acetyl-CoA acetyltransferase 1; plus strand). Cytogenetic location: 11q22.3.
Variant type: single nucleotide variant.
Coding change: c.829A>C on transcript NM_000019.4 (MANE Select); coding-DNA position 829, A replaced by C.
Protein change: p.Thr277Pro; replaces threonine 277 with proline.
Molecular consequence: missense variant.
Genome position (GRCh38, 1-based): chr11:108,142,439, A>C. VCF-style: chr11-108142439-A-C. GRCh37 (hg19) VCF-style: chr11-108013166-A-C.
Other names: short protein forms T277P.
Identifiers: ClinVar variation 666506 (VCV000666506.2), dbSNP rs1591371019, ClinGen allele CA382507948.
Genomic context (GRCh38, chr11:108,142,439, plus strand): 5'-AACCAAATACATTTATTGTGAAGGAATGTTTTGACTTCAACCTCATTTTTGCTTTCAGGC[A>C]CAGTAACAGCTGCCAATGCCAGTACACTGAATGATGGAGCAGCTGCTCTGGTTCTCATGA-3'
Protein context (NP_000010.1, residues 267-287): LKTVFQKENG[Thr277Pro]VTAANASTLN